The following is an entry in ClinVar:

NM_001105247.2(ARMC5):c.1090C>T (p.Arg364Ter)

Gene: ARMC5 (armadillo repeat containing 5; plus strand). Cytogenetic location: 16p11.2.
Variant type: single nucleotide variant.
Coding change: c.1090C>T on transcript NM_001105247.2 (MANE Select); coding-DNA position 1090, C replaced by T.
Protein change: p.Arg364Ter; replaces arginine 364 with a stop codon.
Molecular consequence: nonsense.
Genome position (GRCh38, 1-based): chr16:31,462,637, C>T. VCF-style: chr16-31462637-C-T. GRCh37 (hg19) VCF-style: chr16-31473958-C-T.
Other names: c.1375C>T, p.Arg459Ter (NM_001288767.2); c.1186C>T, p.Arg396Ter (NM_001301820.1); c.1090C>T, p.Arg364Ter (NM_024742.2); short protein forms R364*, R396*, R459*.
Identifiers: ClinVar variation 3048615 (VCV003048615.3), dbSNP rs1386368908, ClinGen allele CA395733447.

ClinVar aggregate classification (germline): Pathogenic. Review status: criteria provided, single submitter (1 of 4 stars). 2 submissions from 2 submitters: Pathogenic (1). 1 of the submissions does not count toward it. Last evaluated 2025-03-12.

Conditions:
ACTH-independent macronodular adrenal hyperplasia 2. Also called: PRIMARY MACRONODULAR ADRENAL HYPERPLASIA. Identifiers: Orphanet 189427, MedGen C4014803, MONDO:0014416, OMIM 615954.
ARMC5-related disorder. Also called: ARMC5-related condition.

Allele frequency attached by ClinVar (database versions not stated): gnomAD exomes 0.00001; TOPMed 0.00001; gnomAD 0.00002.

Submissions (2):

Clinical Genetics and Genomics, Karolinska University Hospital
Classification: Pathogenic for ACTH-independent macronodular adrenal hyperplasia 2. Last evaluated: 2025-03-12. Review status: criteria provided, single submitter. Criteria: ACMG Guidelines, 2015. Collection method: clinical testing. Allele origin: germline. Inheritance: Autosomal dominant inheritance. Affected: yes.

PreventionGenetics, part of Exact Sciences
Classification: Pathogenic for ARMC5-related condition. Last evaluated: 2024-08-30. Review status: no assertion criteria provided. Collection method: clinical testing. Allele origin: germline. Not counted in ClinVar's aggregate classification.
Comment: The ARMC5 c.1375C>T variant is predicted to result in premature protein termination (p.Arg459*). This variant, also described as c.1090C>T (p.Arg364*) based on alternative transcript NM_001105247.1, has been reported in individuals with macronodular adrenal hyperplasia, including in one mildly affected child of an affected individual (Faucz et al. 2014. PubMed ID: 24601692; Albiger et al. 2016. PubMed ID: 27094308). It was also reported in a study of individuals with hypertension (Bao et al. 2020. PubMed ID: 32561571). It has not been reported in a large population database, indicating this variant is rare. Nonsense variants in ARMC5 are expected to be pathogenic. This variant is interpreted as pathogenic.